The following is an entry in ClinVar:

ClinVar aggregate classification (germline): Uncertain significance (1 of 4 stars; one submission).

Conditions:
Immunodeficiency 14 (IMD14A). Also called: Activated PI3K Delta Syndrome Type 1 (APDS1); p110-DELTA-ACTIVATING MUTATION CAUSING SENESCENT T CELLS, LYMPHADENOPATHY, AND IMMUNODEFICIENCY; IMMUNODEFICIENCY 14A WITH LYMPHOPROLIFERATION, AUTOSOMAL DOMINANT; ACTIVATED PI3K-DELTA SYNDROME 1. Identifiers: Orphanet 397596, Orphanet 693661, MedGen C5907821, MONDO:0014222, OMIM 615513.

Allele frequency attached by ClinVar (database versions not stated): TOPMed 0.00001; gnomAD exomes 0.00002; ESP Exome Variant Server 0.00008.
gnomAD v4.1: 26 of 1,614,034 alleles (0.0016%); highest among the groups gnomAD compares: Non-Finnish European, 0.0022%; no homozygotes.

Submission:

Labcorp Genetics (formerly Invitae), Labcorp
Classification: Uncertain significance for Activated PI3K-delta syndrome. Last evaluated: 2023-01-06. Review status: criteria provided, single submitter. Criteria: Invitae Variant Classification Sherloc (09022015). Collection method: clinical testing. Allele origin: germline.
Comment: In summary, the available evidence is currently insufficient to determine the role of this variant in disease. Therefore, it has been classified as a Variant of Uncertain Significance. Advanced modeling of protein sequence and biophysical properties (such as structural, functional, and spatial information, amino acid conservation, physicochemical variation, residue mobility, and thermodynamic stability) performed at Invitae indicates that this missense variant is not expected to disrupt PIK3CD protein function. This variant has not been reported in the literature in individuals affected with PIK3CD-related conditions. This variant is not present in population databases (gnomAD no frequency). This sequence change replaces glutamine, which is neutral and polar, with histidine, which is basic and polar, at codon 329 of the PIK3CD protein (p.Gln329His).

NM_005026.5(PIK3CD):c.987G>T (p.Gln329His)

Gene: PIK3CD (phosphatidylinositol-4,5-bisphosphate 3-kinase catalytic subunit delta; plus strand). Cytogenetic location: 1p36.22.
Variant type: single nucleotide variant.
Coding change: c.987G>T on transcript NM_005026.5 (MANE Select); coding-DNA position 987, G replaced by T.
Protein change: p.Gln329His; replaces glutamine 329 with histidine.
Molecular consequence: missense variant.
Genome position (GRCh38, 1-based): chr1:9,717,593, G>T. VCF-style: chr1-9717593-G-T. GRCh37 (hg19) VCF-style: chr1-9777651-G-T.
Other names: c.987G>T, p.Gln329His (NM_001350234.2); c.900G>T, p.Gln300His (NM_001350235.1); short protein forms Q329H, Q300H.
Identifiers: ClinVar variation 2050585 (VCV002050585.4), dbSNP rs369790602, ClinGen allele CA17776652.